The following is an entry in ClinVar:

NM_007294.4(BRCA1):c.724A>G (p.Ser242Gly)

Gene: BRCA1 (BRCA1 DNA repair associated; minus strand). Cytogenetic location: 17q21.31.
Variant type: single nucleotide variant.
Coding change: c.724A>G on transcript NM_007294.4 (MANE Select); coding-DNA position 724, A replaced by G.
Protein change: p.Ser242Gly; replaces serine 242 with glycine.
Molecular consequence: missense variant. On other transcripts: non-coding transcript variant (1).
Genome position (GRCh38, 1-based): chr17:43,094,807, T>C on the plus strand (A>G on the coding strand, the complement: BRCA1 is on the minus strand). VCF-style: chr17-43094807-T-C. GRCh37 (hg19) VCF-style: chr17-41246824-T-C.
Other names: c.724A>G, p.Ser242Gly (NM_001407858.1, NM_001407640.1, NM_001407641.1 and 54 more transcripts); c.523A>G, p.Ser175Gly (NM_001408474.1, NM_001408476.1, NM_001407862.1); c.520A>G, p.Ser174Gly (NM_001408475.1, NM_001407874.1, NM_001407875.1); c.514A>G, p.Ser172Gly (NM_001408481.1, NM_001408478.1, NM_001408479.1 and 25 more transcripts); c.601A>G, p.Ser201Gly (NM_001407863.1, NM_001407919.1, NM_001407937.1 and 34 more transcripts); c.721A>G, p.Ser241Gly (NM_001407645.1, NM_001407644.1, NM_001407860.1 and 38 more transcripts); c.715A>G, p.Ser239Gly (NM_001407646.1, NM_001408408.1, NM_001407647.1); c.598A>G, p.Ser200Gly (NM_001407690.1, NM_001407691.1, NM_001407940.1 and 20 more transcripts); and 14 more; short protein forms S242G, S195G, S115G, S175G, S197G, S201G, S74G, S130G.
Identifiers: ClinVar variation 479205 (VCV000479205.10), dbSNP rs1555593258, ClinGen allele CA10600637.

ClinVar aggregate classification (germline): Conflicting classifications of pathogenicity. Review status: criteria provided, conflicting classifications (1 of 4 stars). 3 submissions from 3 submitters: Uncertain significance (1); Likely benign (2). Last evaluated 2024-02-09.

Conditions:
Hereditary cancer-predisposing syndrome. Also called: Neoplastic Syndromes, Hereditary; Hereditary Cancer Syndrome; Hereditary neoplastic syndrome; Tumor predisposition. Identifiers: Orphanet 140162, MedGen C0027672, MeSH D009386, MONDO:0015356.
Familial cancer of breast. Also called: BREAST CANCER, FAMILIAL; hereditary breast carcinoma; Hereditary breast cancer. Identifiers: Orphanet 227535, MedGen C0346153, MONDO:0016419, OMIM 114480. Disease mechanism: loss of function.

Submissions (3):

MGZ Medical Genetics Center
Classification: Likely benign for Familial cancer of breast. Last evaluated: 2024-02-09. Review status: criteria provided, single submitter. Criteria: CSpec BRCA1/2ACMG Rules Specifications V1.1.0. Collection method: clinical testing. Allele origin: germline. Affected: yes.
Comment: ACMG codes applied following ENIGMA VCEP rules: BP1_STR, PM2_SUP

Ambry Genetics
Classification: Uncertain significance for Hereditary cancer-predisposing syndrome. Last evaluated: 2023-05-31. Review status: criteria provided, single submitter. Criteria: Ambry Variant Classification Scheme 2023. Collection method: clinical testing. Allele origin: germline.
Comment: The p.S242G variant (also known as c.724A>G), located in coding exon 9 of the BRCA1 gene, results from an A to G substitution at nucleotide position 724. The serine at codon 242 is replaced by glycine, an amino acid with similar properties. This amino acid position is not well conserved in available vertebrate species. In addition, the in silico prediction for this alteration is inconclusive. Since supporting evidence is limited at this time, the clinical significance of this alteration remains unclear.

University of Washington Department of Laboratory Medicine, University of Washington
Classification: Likely benign for Hereditary cancer-predisposing syndrome. Last evaluated: 2023-03-23. Review status: criteria provided, single submitter. Criteria: Dines et al. (Genet Med. 2020). Collection method: curation. Allele origin: germline.
Comment: Missense variant in a coldspot region where missense variants are very unlikely to be pathogenic (PMID:31911673).

BRCA1 coldspot (exon 11 using historical exon numbering). Reclassification based on statistical prior probability